The following is an entry in ClinVar:

ClinVar aggregate classification (germline): Benign (0 of 4 stars; one submission).

Conditions:
PLPP6-related disorder. Also called: PLPP6-related condition.

Allele frequency attached by ClinVar (database versions not stated): gnomAD 0.00045; TOPMed 0.00063; ExAC 0.00129; 1000 Genomes Project 30x 0.00265; 1000 Genomes Project 0.00280.
gnomAD v4.1: 634 of 1,590,162 alleles (0.04%); highest among the groups gnomAD compares: East Asian, 1.2%; 8 homozygotes.

Submission:

PreventionGenetics, part of Exact Sciences
Classification: Benign for PLPP6-related condition. Last evaluated: 2019-03-22. Review status: no assertion criteria provided. Collection method: clinical testing. Allele origin: germline.
Comment: This variant is classified as benign based on ACMG/AMP sequence variant interpretation guidelines (Richards et al. 2015 PMID: 25741868, with internal and published modifications).

NM_203453.5(PLPP6):c.205G>A (p.Gly69Ser)

Genes: PLPP6 (phospholipid phosphatase 6; plus strand), SPATA6L (spermatogenesis associated 6 like; minus strand), LOC130001484 (ATAC-STARR-seq lymphoblastoid silent region 19743; plus strand). Cytogenetic location: 9p24.1.
Variant type: single nucleotide variant.
Coding change: c.205G>A on transcript NM_203453.5 (MANE Select); coding-DNA position 205, G replaced by A.
Protein change: p.Gly69Ser; replaces glycine 69 with serine.
Molecular consequence: missense variant. On other transcripts: intron variant (6).
Genome position (GRCh38, 1-based): chr9:4,662,580, G>A. VCF-style: chr9-4662580-G-A. GRCh37 (hg19) VCF-style: chr9-4662580-G-A.
Other names: c.40-544C>T (NM_001039395.4, NM_001353484.2, NM_001353486.2 and 2 more transcripts); c.-606-544C>T (NM_001353491.2); short protein forms G69S.
Identifiers: ClinVar variation 3035711 (VCV003035711.2), dbSNP rs190018180, ClinGen allele CA4970047.